The following is an entry in ClinVar:

NM_001003694.2(BRPF1):c.396del (p.Asn132fs)

Gene: BRPF1 (bromodomain and PHD finger containing 1; plus strand). Cytogenetic location: 3p25.3.
Variant type: Deletion.
Coding change: c.396del on transcript NM_001003694.2 (MANE Select); coding-DNA position 396, one base deleted (T; older notation c.396delT).
Protein change: p.Asn132fs; shifts the reading frame from asparagine 132.
Molecular consequence: frameshift variant. On other transcripts: non-coding transcript variant (1).
Genome position (GRCh38, 1-based): chr3:9,734,536, T deleted. VCF-style (leftmost placement, unchanged base first): chr3-9734535-AT-A. GRCh37 (hg19) VCF-style: chr3-9776219-AT-A.
Other names: c.396del, p.Asn132fs (NM_001319049.2, NM_001319050.2, NM_001410704.1 and 1 more transcripts); short protein forms N132fs.
Identifiers: ClinVar variation 3254719 (VCV003254719.1), dbSNP rs2471447399.

ClinVar aggregate classification (germline): Pathogenic (1 of 4 stars; one submission).

Conditions:
Intellectual developmental disorder with dysmorphic facies and ptosis (IDDDFP). Identifiers: Orphanet 698090, MedGen C4310617, MONDO:0015022, OMIM 617333.

Submission:

Victorian Clinical Genetics Services, Murdoch Childrens Research Institute
Classification: Pathogenic for Intellectual developmental disorder with dysmorphic facies and ptosis. Last evaluated: 2023-12-20. Review status: criteria provided, single submitter. Criteria: ACMG Guidelines, 2015. Collection method: clinical testing. Allele origin: germline. Inheritance: Autosomal dominant inheritance. Affected: yes.
Comment: Based on the classification scheme VCGS_Germline_v1.3.4, this variant is classified as Pathogenic. Following criteria are met: 0102 - Loss of function is a known mechanism of disease in this gene and is associated with intellectual developmental disorder with dysmorphic facies and ptosis (MIM#617333). (I) 0107 - This gene is associated with autosomal dominant disease. (I) 0115 - Variants in this gene are known to have variable expressivity (PMID: 32010779, OMIM). (I) 0201 - Variant is predicted to cause nonsense-mediated decay (NMD) and loss of protein (premature termination codon is located at least 54 nucleotides upstream of the final exon-exon junction). (SP) 0251 - This variant is heterozygous. (I) 0301 - Variant is absent from gnomAD (both v2 and v3). (SP) 0701 - Other NMD-predicted variants comparable to the one identified in this case have very strong previous evidence for pathogenicity (DECIPHER). (SP) 0807 - This variant has no previous evidence of pathogenicity. (I) 0905 - No published segregation evidence has been identified for this variant. (I) 1007 - No published functional evidence has been identified for this variant. (SP) Legend: (SP) - Supporting pathogenic, (I) - Information, (SB) - Supporting benign

Literature cited by the submitters: PubMed 32010779.